The following is an entry in ClinVar:

NM_002691.4(POLD1):c.1629C>A (p.Leu543=)

Gene: POLD1 (DNA polymerase delta 1, catalytic subunit; plus strand). Cytogenetic location: 19q13.33.
Variant type: single nucleotide variant.
Coding change: c.1629C>A on transcript NM_002691.4 (MANE Select); coding-DNA position 1629, C replaced by A.
Protein change: p.Leu543=; no amino-acid change (leucine 543 retained).
Molecular consequence: synonymous variant. On other transcripts: non-coding transcript variant (1).
Genome position (GRCh38, 1-based): chr19:50,407,117, C>A. VCF-style: chr19-50407117-C-A. GRCh37 (hg19) VCF-style: chr19-50910374-C-A.
Other names: c.1629C>A, p.Leu543= (NM_001256849.1, NM_001308632.1).
Identifiers: ClinVar variation 2059382 (VCV002059382.5), dbSNP rs1601219755, ClinGen allele CA508184048.

ClinVar aggregate classification (germline): Benign/Likely benign. Review status: criteria provided, multiple submitters, no conflicts (2 of 4 stars). 2 submissions from 2 submitters: Benign (1); Likely benign (1). Last evaluated 2025-08-05.

Conditions:
POLD1-related polyposis and colorectal cancer syndrome (CRCS10). Also called: Colorectal cancer 10; COLORECTAL CANCER, SUSCEPTIBILITY TO, ON CHROMOSOME 19q; Colorectal cancer, susceptibility to, 10. Identifiers: Orphanet 220460, MedGen C2675481, MONDO:0012953, OMIM 612591.

Submissions (2):

Labcorp Genetics (formerly Invitae), Labcorp
Classification: Likely benign for POLD1-related polyposis and colorectal cancer syndrome. Last evaluated: 2025-08-05. Review status: criteria provided, single submitter. Criteria: Invitae Variant Classification Sherloc (09022015). Collection method: clinical testing. Allele origin: germline.

Myriad Genetics, Inc.
Classification: Benign for POLD1-related polyposis and colorectal cancer syndrome. Last evaluated: 2025-02-07. Review status: criteria provided, single submitter. Criteria: Myriad Autosomal Dominant, Autosomal Recessive and X-Linked Classification Criteria (2023). Collection method: clinical testing. Allele origin: unknown.
Comment: This variant is considered benign. This variant is a silent/synonymous amino acid change and it is not expected to impact splicing.